The following is an entry in ClinVar:

ClinVar aggregate classification (germline): Uncertain significance (1 of 4 stars; one submission).

Conditions:
Ullrich congenital muscular dystrophy 2 (UCMD2). Identifiers: Orphanet 75840, MedGen C4225314, MONDO:0014654, OMIM 616470.
Bethlem myopathy 2 (BTHLM2). Identifiers: Orphanet 536516, Orphanet 610, MedGen C4225313, MONDO:0034022, OMIM 616471.

Submission:

Labcorp Genetics (formerly Invitae), Labcorp
Classification: Uncertain significance for Bethlem myopathy 2; Ullrich congenital muscular dystrophy 2. Last evaluated: 2020-02-24. Review status: criteria provided, single submitter. Criteria: Invitae Variant Classification Sherloc (09022015). Collection method: clinical testing. Allele origin: germline.
Comment: Experimental studies and prediction algorithms are not available or were not evaluated, and the functional significance of this variant is currently unknown. In summary, the available evidence is currently insufficient to determine the role of this variant in disease. Therefore, it has been classified as a Variant of Uncertain Significance. This variant has not been reported in the literature in individuals with COL12A1-related conditions. This variant, c.5514_5516dup, results in the insertion of 1 amino acid(s) to the COL12A1 protein (p.Gly1839dup), but otherwise preserves the integrity of the reading frame. This variant is not present in population databases (ExAC no frequency).

NM_004370.6(COL12A1):c.5514_5516dup (p.Gly1839dup)

Gene: COL12A1 (collagen type XII alpha 1 chain; minus strand). Cytogenetic location: 6q13.
Variant type: Duplication.
Coding change: c.5514_5516dup on transcript NM_004370.6 (MANE Select); coding-DNA positions 5514 to 5516, 3 bases duplicated (AGG; older notation c.5514_5516dupAGG).
Protein change: p.Gly1839dup; duplicates glycine 1839.
Molecular consequence: inframe insertion.
Genome position (GRCh38, 1-based): chr6:75,134,734-75,134,736, CCT duplicated on the plus strand (AGG on the coding strand, the reverse complement: COL12A1 is on the minus strand); duplicating any 3 consecutive bases within chr6:75,134,734-75,134,737 gives the same sequence; the c. name uses the placement nearest the transcript's 3' end. VCF-style (leftmost placement, unchanged base first): chr6-75134733-G-GCCT. GRCh37 (hg19) VCF-style: chr6-75844449-G-GCCT.
Other names: c.2022_2024dup, p.Gly675dup (NM_080645.3).
Identifiers: ClinVar variation 1011481 (VCV001011481.10), dbSNP rs1766496347, ClinGen allele CA1638942600.